The following is an entry in ClinVar:

ClinVar aggregate classification (germline): Uncertain significance (1 of 4 stars; one submission).

gnomAD v4.1: 1 of 1,612,292 alleles (0.000062%); highest among the groups gnomAD compares: Non-Finnish European, 0.000085%; no homozygotes.

Submission:

Labcorp Genetics (formerly Invitae), Labcorp
Classification: Uncertain significance. Last evaluated: 2024-10-16. Review status: criteria provided, single submitter. Criteria: Invitae Variant Classification Sherloc (09022015). Collection method: clinical testing. Allele origin: germline.
Comment: This sequence change replaces arginine, which is basic and polar, with proline, which is neutral and non-polar, at codon 432 of the KCNQ5 protein (p.Arg432Pro). This variant is not present in population databases (gnomAD no frequency). This variant has not been reported in the literature in individuals affected with KCNQ5-related conditions. ClinVar contains an entry for this variant (Variation ID: 1394745). Invitae Evidence Modeling of protein sequence and biophysical properties (such as structural, functional, and spatial information, amino acid conservation, physicochemical variation, residue mobility, and thermodynamic stability) indicates that this missense variant is not expected to disrupt KCNQ5 protein function with a negative predictive value of 95%. In summary, the available evidence is currently insufficient to determine the role of this variant in disease. Therefore, it has been classified as a Variant of Uncertain Significance.

NM_019842.4(KCNQ5):c.1248-3581G>C

Gene: KCNQ5 (potassium voltage-gated channel subfamily Q member 5; plus strand). Cytogenetic location: 6q13.
Variant type: single nucleotide variant.
Coding change: c.1248-3581G>C on transcript NM_019842.4 (MANE Select); 3581 bases into the intron before coding-DNA position 1248, G replaced by C.
Molecular consequence: intron variant. On other transcripts: missense variant (2).
Genome position (GRCh38, 1-based): chr6:73,129,840, G>C. VCF-style: chr6-73129840-G-C. GRCh37 (hg19) VCF-style: chr6-73839563-G-C.
Other names: c.1268G>C, p.Arg423Pro (NM_001160132.2); c.1295G>C, p.Arg432Pro (NM_001160133.2); c.1247+5328G>C (NM_001160134.2); c.1221-3581G>C (NM_001160130.2); short protein forms R432P, R423P.
Identifiers: ClinVar variation 1394745 (VCV001394745.6), dbSNP rs774233700, ClinGen allele CA364827677.